The following is an entry in ClinVar:

ClinVar aggregate classification (germline): Uncertain significance (1 of 4 stars; one submission).

Conditions:
Intellectual developmental disorder with autism and speech delay. Also called: Autism 5; AUTISM-RELATED SPEECH DELAY; PHRASE SPEECH DELAY, AUTISM-RELATED; AUTS5; Autism, susceptibility to, 5. Identifiers: MedGen C1853755, MONDO:0011627, OMIM 606053.

gnomAD v4.1: 1 of 1,535,142 alleles (0.000065%); highest among the groups gnomAD compares: East Asian, 0.0026%; no homozygotes.

Submission:

Laboratorio de Genetica e Diagnostico Molecular, Hospital Israelita Albert Einstein
Classification: Uncertain significance for Intellectual developmental disorder with autism and speech delay. Last evaluated: 2024-04-05. Review status: criteria provided, single submitter. Criteria: ACMG Guidelines, 2015. Collection method: clinical testing. Allele origin: germline. Affected: yes.
Comment: ACMG classification criteria: PVS1 strong, PM2 supporting

NM_006593.4(TBR1):c.1420G>T (p.Glu474Ter)

Gene: TBR1 (T-box brain transcription factor 1; plus strand). Cytogenetic location: 2q24.2.
Variant type: single nucleotide variant.
Coding change: c.1420G>T on transcript NM_006593.4 (MANE Select); coding-DNA position 1420, G replaced by T.
Protein change: p.Glu474Ter; replaces glutamic acid 474 with a stop codon.
Molecular consequence: nonsense.
Genome position (GRCh38, 1-based): chr2:161,423,598, G>T. VCF-style: chr2-161423598-G-T. GRCh37 (hg19) VCF-style: chr2-162280109-G-T.
Other names: short protein forms E474*.
Identifiers: ClinVar variation 4076244 (VCV004076244.1).